The following is an entry in ClinVar:

NM_006445.4(PRPF8):c.1384C>T (p.Arg462Trp)

Gene: PRPF8 (pre-mRNA processing factor 8; minus strand). Cytogenetic location: 17p13.3.
Variant type: single nucleotide variant.
Coding change: c.1384C>T on transcript NM_006445.4 (MANE Select); coding-DNA position 1384, C replaced by T.
Protein change: p.Arg462Trp; replaces arginine 462 with tryptophan.
Molecular consequence: missense variant.
Genome position (GRCh38, 1-based): chr17:1,679,316, G>A on the plus strand (C>T on the coding strand, the complement: PRPF8 is on the minus strand). VCF-style: chr17-1679316-G-A. GRCh37 (hg19) VCF-style: chr17-1582610-G-A.
Other names: short protein forms R462W.
Identifiers: ClinVar variation 1447763 (VCV001447763.6), dbSNP rs756080435, ClinGen allele CA8272361.

ClinVar aggregate classification (germline): Uncertain significance (1 of 4 stars; one submission).

Allele frequency attached by ClinVar (database versions not stated): gnomAD exomes below 0.00001; ExAC 0.00001.
gnomAD v4.1: 5 of 1,614,094 alleles (0.00031%); highest among the groups gnomAD compares: South Asian, 0.0022%; no homozygotes.

Submission:

Labcorp Genetics (formerly Invitae), Labcorp
Classification: Uncertain significance. Last evaluated: 2022-03-09. Review status: criteria provided, single submitter. Criteria: Invitae Variant Classification Sherloc (09022015). Collection method: clinical testing. Allele origin: germline.
Comment: In summary, the available evidence is currently insufficient to determine the role of this variant in disease. Therefore, it has been classified as a Variant of Uncertain Significance. Algorithms developed to predict the effect of missense changes on protein structure and function are either unavailable or do not agree on the potential impact of this missense change (SIFT: "Deleterious"; PolyPhen-2: "Probably Damaging"; Align-GVGD: "Class C0"). This variant has not been reported in the literature in individuals affected with PRPF8-related conditions. This variant is present in population databases (rs756080435, gnomAD 0.003%). This sequence change replaces arginine, which is basic and polar, with tryptophan, which is neutral and slightly polar, at codon 462 of the PRPF8 protein (p.Arg462Trp).